The following is an entry in ClinVar:

NM_025114.4(CEP290):c.4266C>T (p.Asp1422=)

Gene: CEP290 (centrosomal protein 290; minus strand). Cytogenetic location: 12q21.32.
Variant type: single nucleotide variant.
Coding change: c.4266C>T on transcript NM_025114.4 (MANE Select); coding-DNA position 4266, C replaced by T.
Protein change: p.Asp1422=; no amino-acid change (aspartic acid 1422 retained).
Molecular consequence: synonymous variant.
Genome position (GRCh38, 1-based): chr12:88,086,427, G>A on the plus strand (C>T on the coding strand, the complement: CEP290 is on the minus strand). VCF-style: chr12-88086427-G-A. GRCh37 (hg19) VCF-style: chr12-88480204-G-A.
Identifiers: ClinVar variation 3356409 (VCV003356409.1).

ClinVar aggregate classification (germline): Likely benign (0 of 4 stars; one submission).

Conditions:
CEP290-related disorder. Also called: CEP290-related condition; CEP290-related disorders. Identifiers: MedGen CN239314.

gnomAD v4.1: 2 of 1,598,226 alleles (0.00013%); highest among the groups gnomAD compares: Admixed American, 0.0017%; no homozygotes.

Submission:

PreventionGenetics, part of Exact Sciences
Classification: Likely benign for CEP290-related condition. Last evaluated: 2023-06-16. Review status: no assertion criteria provided. Collection method: clinical testing. Allele origin: germline.
Comment: This variant is classified as likely benign based on ACMG/AMP sequence variant interpretation guidelines (Richards et al. 2015 PMID: 25741868, with internal and published modifications).